The following is an entry in ClinVar:

NM_013372.7(GREM1):c.358G>A (p.Gly120Ser)

Gene: GREM1 (gremlin 1, DAN family BMP antagonist; plus strand). Cytogenetic location: 15q13.3.
Variant type: single nucleotide variant.
Coding change: c.358G>A on transcript NM_013372.7 (MANE Select); coding-DNA position 358, G replaced by A.
Protein change: p.Gly120Ser; replaces glycine 120 with serine.
Molecular consequence: missense variant.
Genome position (GRCh38, 1-based): chr15:32,731,048, G>A. VCF-style: chr15-32731048-G-A. GRCh37 (hg19) VCF-style: chr15-33023249-G-A.
Other names: c.148G>A, p.Gly50Ser (NM_001191322.2); c.235G>A, p.Gly79Ser (NM_001191323.2); c.358G>A, p.Gly120Ser (NM_001368719.1); short protein forms G120S, G50S, G79S.
Identifiers: ClinVar variation 3226263 (VCV003226263.1), dbSNP rs2548707852, ClinGen allele CA391557765.

ClinVar aggregate classification (germline): Uncertain significance (1 of 4 stars; one submission).

Conditions:
Hereditary cancer-predisposing syndrome. Also called: Neoplastic Syndromes, Hereditary; Tumor predisposition; Hereditary neoplastic syndrome; Hereditary Cancer Syndrome. Identifiers: Orphanet 140162, MedGen C0027672, MeSH D009386, MONDO:0015356.

gnomAD v4.1: 1 of 1,614,142 alleles (0.000062%); highest among the groups gnomAD compares: Non-Finnish European, 0.000085%; no homozygotes.

Submission:

Ambry Genetics
Classification: Uncertain significance for Hereditary cancer-predisposing syndrome. Last evaluated: 2023-12-21. Review status: criteria provided, single submitter. Criteria: Ambry Variant Classification Scheme 2023. Collection method: clinical testing. Allele origin: germline.
Comment: The p.G120S variant (also known as c.358G>A), located in coding exon 1 of the GREM1 gene, results from a G to A substitution at nucleotide position 358. The glycine at codon 120 is replaced by serine, an amino acid with similar properties. This amino acid position is conserved. In addition, this alteration is predicted to be deleterious by in silico analysis. Since supporting evidence is limited at this time, the clinical significance of this alteration remains unclear.